The following is an entry in ClinVar:

ClinVar aggregate classification (germline): Uncertain significance (1 of 4 stars; one submission).

Conditions:
Melnick-Needles syndrome (MNS). Also called: MELNICK-NEEDLES OSTEODYSPLASTY; OSTEODYSPLASTY OF MELNICK AND NEEDLES; Melnick-Needles Syndrome (FLNA-MNS). Identifiers: Orphanet 2484, MedGen C0025237, MONDO:0010650, OMIM 309350.
Frontometaphyseal dysplasia (FMD1). Identifiers: Orphanet 1826, MedGen C0265293, MONDO:0015942.
Heterotopia, periventricular, X-linked dominant (PVNH1). Also called: PERIVENTRICULAR NODULAR HETEROTOPIA 1; X-linked periventricular heterotopia; PERIVENTRICULAR NODULAR HETEROTOPIA 4; HETEROTOPIA, PERIVENTRICULAR, 1. Identifiers: Orphanet 2149, Orphanet 82004, MedGen C1848213, MONDO:0010233, OMIM 300049.
Oto-palato-digital syndrome, type II (OPD2). Also called: FACIOPALATOOSSEOUS SYNDROME; OPD II SYNDROME; Otopalatodigital Syndrome, Type II; Otopalatodigital Syndrome Type 2 (FLNA-OPD2). Identifiers: Orphanet 669, Orphanet 90652, MedGen C1844696, MONDO:0010571, OMIM 304120.

Submission:

Labcorp Genetics (formerly Invitae), Labcorp
Classification: Uncertain significance for Oto-palato-digital syndrome, type II; Heterotopia, periventricular, X-linked dominant; Frontometaphyseal dysplasia; Melnick-Needles syndrome. Last evaluated: 2025-01-22. Review status: criteria provided, single submitter. Criteria: Invitae Variant Classification Sherloc (09022015). Collection method: clinical testing. Allele origin: germline.
Comment: This sequence change replaces glutamine, which is neutral and polar, with proline, which is neutral and non-polar, at codon 989 of the FLNA protein (p.Gln989Pro). This variant is not present in population databases (gnomAD no frequency). This variant has not been reported in the literature in individuals affected with FLNA-related conditions. Invitae Evidence Modeling of protein sequence and biophysical properties (such as structural, functional, and spatial information, amino acid conservation, physicochemical variation, residue mobility, and thermodynamic stability) indicates that this missense variant is not expected to disrupt FLNA protein function with a negative predictive value of 95%. In summary, the available evidence is currently insufficient to determine the role of this variant in disease. Therefore, it has been classified as a Variant of Uncertain Significance.

NM_001110556.2(FLNA):c.2966A>C (p.Gln989Pro)

Gene: FLNA (filamin A; minus strand). Cytogenetic location: Xq28.
Variant type: single nucleotide variant.
Coding change: c.2966A>C on transcript NM_001110556.2 (MANE Select); coding-DNA position 2966, A replaced by C.
Protein change: p.Gln989Pro; replaces glutamine 989 with proline.
Molecular consequence: missense variant.
Genome position (GRCh38, 1-based): chrX:154,361,549, T>G on the plus strand (A>C on the coding strand, the complement: FLNA is on the minus strand). VCF-style: chrX-154361549-T-G. GRCh37 (hg19) VCF-style: chrX-153589917-T-G.
Other names: c.2966A>C, p.Gln989Pro (NM_001456.4); short protein forms Q989P.
Identifiers: ClinVar variation 3754003 (VCV003754003.2).